The following is an entry in ClinVar:

ClinVar aggregate classification (germline): Conflicting classifications of pathogenicity. Review status: criteria provided, conflicting classifications (1 of 4 stars). 5 submissions from 5 submitters: Uncertain significance (2); Likely benign (3). Last evaluated 2025-11-22.

Conditions:
Inborn genetic diseases. Identifiers: MedGen C0950123, MeSH D030342.
Spastic paraplegia. Identifiers: MedGen C0037772, HP:0001258.

Allele frequency attached by ClinVar (database versions not stated): ExAC 0.00004; gnomAD 0.00005; TOPMed 0.00007.
gnomAD v4.1: 120 of 1,575,582 alleles (0.0076%); highest among the groups gnomAD compares: Non-Finnish European, 0.0095%; no homozygotes.

Submissions (5):

Labcorp Genetics (formerly Invitae), Labcorp
Classification: Likely benign for Spastic paraplegia. Last evaluated: 2025-11-22. Review status: criteria provided, single submitter. Criteria: Invitae Variant Classification Sherloc (09022015). Collection method: clinical testing. Allele origin: germline.

CeGaT Center for Human Genetics Tuebingen
Classification: Likely benign. Last evaluated: 2025-03-01. Review status: criteria provided, single submitter. Criteria: CeGaT Center For Human Genetics Tuebingen Variant Classification Criteria Version 2. Collection method: clinical testing. Allele origin: germline. Affected: yes. Observed: 2 variant alleles.
Comment: SACS: BP4

Ambry Genetics
Classification: Likely benign for Inborn genetic diseases. Last evaluated: 2024-12-27. Review status: criteria provided, single submitter. Criteria: Ambry Variant Classification Scheme 2023. Collection method: clinical testing. Allele origin: germline.

Mayo Clinic Laboratories, Mayo Clinic
Classification: Uncertain significance. Last evaluated: 2023-03-22. Review status: criteria provided, single submitter. Criteria: ACMG Guidelines, 2015. Collection method: clinical testing. Allele origin: germline. Observed: 1 variant allele.
Comment: BP4, PM2

Athena Diagnostics
Classification: Uncertain significance. Last evaluated: 2021-10-12. Review status: criteria provided, single submitter. Criteria: Athena Diagnostics Criteria. Collection method: clinical testing. Allele origin: unknown.

Literature cited by the submitters: PubMed 23280630 (cited by Mayo Clinic Laboratories, Mayo Clinic and Athena Diagnostics).

NM_014363.6(SACS):c.2180C>G (p.Thr727Ser)

Gene: SACS (sacsin molecular chaperone; minus strand). Cytogenetic location: 13q12.12.
Variant type: single nucleotide variant.
Coding change: c.2180C>G on transcript NM_014363.6 (MANE Select); coding-DNA position 2180, C replaced by G.
Protein change: p.Thr727Ser; replaces threonine 727 with serine.
Molecular consequence: missense variant.
Genome position (GRCh38, 1-based): chr13:23,353,790, G>C on the plus strand (C>G on the coding strand, the complement: SACS is on the minus strand). VCF-style: chr13-23353790-G-C. GRCh37 (hg19) VCF-style: chr13-23927929-G-C.
Other names: p.Thr727Ser; c.1739C>G, p.Thr580Ser (NM_001278055.2); short protein forms T580S, T727S.
Identifiers: ClinVar variation 1806967 (VCV001806967.30), dbSNP rs61760905, ClinGen allele CA6911753.